The following is an entry in ClinVar:

NM_001035.3(RYR2):c.9071A>G (p.Asn3024Ser)

Gene: RYR2 (ryanodine receptor 2; plus strand). Cytogenetic location: 1q43.
Variant type: single nucleotide variant.
Coding change: c.9071A>G on transcript NM_001035.3 (MANE Select); coding-DNA position 9071, A replaced by G.
Protein change: p.Asn3024Ser; replaces asparagine 3024 with serine.
Molecular consequence: missense variant.
Genome position (GRCh38, 1-based): chr1:237,698,968, A>G. VCF-style: chr1-237698968-A-G. GRCh37 (hg19) VCF-style: chr1-237862268-A-G.
Other names: c.9071A>G, p.Asn3024Ser (LRG_402t1); short protein forms N3024S.
Identifiers: ClinVar variation 546425 (VCV000546425.2), dbSNP rs970158129, ClinGen allele CA39833613.

ClinVar aggregate classification (germline): Uncertain significance (1 of 4 stars; one submission).

Allele frequency attached by ClinVar (database versions not stated): gnomAD exomes below 0.00001.
gnomAD v4.1: 2 of 1,544,480 alleles (0.00013%); highest among the groups gnomAD compares: East Asian, 0.0024%; no homozygotes.

Submission:

GeneDx
Classification: Uncertain significance. Last evaluated: 2018-05-22. Review status: criteria provided, single submitter. Criteria: GeneDx Variant Classification (06012015). Collection method: clinical testing. Allele origin: germline. Affected: yes.
Comment: A variant of uncertain significance has been identified in the RYR2 gene. The N3024S variant has not been published as pathogenic or been reported as benign to our knowledge. This variant is not observed in large population cohorts (Lek et al., 2016). However, the N3024S variant is a conservative amino acid substitution, which is not likely to impact secondary protein structure as these residues share similar properties. In-silico analyses, including protein predictors and evolutionary conservation, support that this variant does not alter protein structure/function. The N3024S variant is not located in one of the three hot-spot regions of the RYR2 gene, where the majority of pathogenic missense variants occur (Medeiros-Domingo et al., 2009). Therefore, based on the currently available information, it is unclear whether this variant is pathogenic or rare benign.